The following is an entry in ClinVar:

NM_000492.4(CFTR):c.3759G>A (p.Leu1253=)

Genes: CFTR (CF transmembrane conductance regulator; plus strand), CFTR-AS2 (CFTR antisense RNA 2; minus strand). Cytogenetic location: 7q31.2.
Variant type: single nucleotide variant.
Coding change: c.3759G>A on transcript NM_000492.4 (MANE Select); coding-DNA position 3759, G replaced by A.
Protein change: p.Leu1253=; no amino-acid change (leucine 1253 retained).
Molecular consequence: synonymous variant.
Genome position (GRCh38, 1-based): chr7:117,642,479, G>A. VCF-style: chr7-117642479-G-A. GRCh37 (hg19) VCF-style: chr7-117282533-G-A.
Identifiers: ClinVar variation 215752 (VCV000215752.24), dbSNP rs117400534, ClinGen allele CA339250.

ClinVar aggregate classification (germline): Conflicting classifications of pathogenicity. Review status: criteria provided, conflicting classifications (1 of 4 stars). 6 submissions from 6 submitters: Uncertain significance (1); Likely benign (3). 2 of the submissions do not count toward it. Last evaluated 2025-10-01.

Conditions:
CFTR-related disorder (CFTR-RD). Also called: CFTR-related disorders; CFTR-related condition. Identifiers: MedGen C5924204, MONDO:7770004.
Cystic fibrosis (CF). Also called: MUCOVISCIDOSIS. Identifiers: Orphanet 586, MedGen C0010674, MONDO:0009061, OMIM 219700. Disease mechanism: loss of function.

Allele frequency attached by ClinVar (database versions not stated): TOPMed 0.00002; 1000 Genomes Project 30x 0.00016; 1000 Genomes Project 0.00020; gnomAD exomes 0.00002; gnomAD 0.00001; ExAC 0.00002; ESP Exome Variant Server 0.00008.
gnomAD v4.1: 34 of 1,613,664 alleles (0.0021%); highest among the groups gnomAD compares: Non-Finnish European, 0.0026%; no homozygotes.

Submissions (6):

Labcorp Genetics (formerly Invitae), Labcorp
Classification: Likely benign for Cystic fibrosis. Last evaluated: 2025-10-01. Review status: criteria provided, single submitter. Criteria: Invitae Variant Classification Sherloc (09022015). Collection method: clinical testing. Allele origin: germline.

Ambry Genetics
Classification: Likely benign for Cystic fibrosis. Last evaluated: 2019-11-19. Review status: criteria provided, single submitter. Criteria: Ambry Variant Classification Scheme 2023. Collection method: clinical testing. Allele origin: germline.

Women's Health and Genetics/Laboratory Corporation of America, LabCorp
Classification: Likely benign. Last evaluated: 2019-08-28. Review status: criteria provided, single submitter. Criteria: LabCorp Variant Classification Summary - May 2015. Collection method: clinical testing. Allele origin: germline.

Illumina Laboratory Services, Illumina
Classification: Uncertain significance for CFTR-Related Disorders. Last evaluated: 2017-04-27. Review status: criteria provided, single submitter. Criteria: ICSL Variant Classification Criteria 13 December 2019. Collection method: clinical testing. Allele origin: germline.

PreventionGenetics, part of Exact Sciences
Classification: Likely benign for CFTR-related condition. Last evaluated: 2023-11-01. Review status: no assertion criteria provided. Collection method: clinical testing. Allele origin: germline. Not counted in ClinVar's aggregate classification.
Comment: This variant is classified as likely benign based on ACMG/AMP sequence variant interpretation guidelines (Richards et al. 2015 PMID: 25741868, with internal and published modifications).

Natera, Inc.
Classification: Likely benign for CFTR-related disorders. Last evaluated: 2018-08-22. Review status: no assertion criteria provided. Collection method: clinical testing. Allele origin: germline. Not counted in ClinVar's aggregate classification.